The following is an entry in ClinVar:

ClinVar aggregate classification (germline): Likely benign (1 of 4 stars; one submission).

Submission:

GeneDx
Classification: Likely benign. Last evaluated: 2019-08-30. Review status: criteria provided, single submitter. Criteria: GeneDx Variant Classification Process June 2021. Collection method: clinical testing. Allele origin: germline. Affected: yes.
Comment: See Variant Classification Assertion Criteria.

NM_006206.6(PDGFRA):c.628+82dup

Gene: PDGFRA (platelet derived growth factor receptor alpha; plus strand). Cytogenetic location: 4q12.
Variant type: Duplication.
Coding change: c.628+82dup on transcript NM_006206.6 (MANE Select); 82 bases into the intron after coding-DNA position 628, one base duplicated (T; older notation c.628+82dupT).
Molecular consequence: intron variant.
Genome position (GRCh38, 1-based): chr4:54,264,009, T duplicated; the last of 15 consecutive T bases (chr4:54,263,995-54,264,009); duplicating any one gives the same sequence. VCF-style (leftmost placement, unchanged base first): chr4-54263994-A-AT. GRCh37 (hg19) VCF-style: chr4-55130161-A-AT.
Other names: c.703+82dup (NM_001347828.2); c.628+82dup (NM_001347827.2, NM_001347829.2); c.667+82dup (NM_001347830.2).
Identifiers: ClinVar variation 1703377 (VCV001703377.2), dbSNP rs138257527, ClinGen allele CA2922333.